The following is an entry in ClinVar:

NM_001256789.3(CACNA1F):c.1935C>T (p.Ile645=)

Gene: CACNA1F (calcium voltage-gated channel subunit alpha1 F; minus strand). Cytogenetic location: Xp11.23.
Variant type: single nucleotide variant.
Coding change: c.1935C>T on transcript NM_001256789.3 (MANE Select); coding-DNA position 1935, C replaced by T.
Protein change: p.Ile645=; no amino-acid change (isoleucine 645 retained).
Molecular consequence: synonymous variant.
Genome position (GRCh38, 1-based): chrX:49,223,079, G>A on the plus strand (C>T on the coding strand, the complement: CACNA1F is on the minus strand). VCF-style: chrX-49223079-G-A. GRCh37 (hg19) VCF-style: chrX-49079538-G-A.
Other names: c.1773C>T, p.Ile591= (NM_001256790.3); c.1968C>T, p.Ile656= (NM_005183.4).
Identifiers: ClinVar variation 752107 (VCV000752107.12), dbSNP rs151256170, ClinGen allele CA10410761.

ClinVar aggregate classification (germline): Likely benign. Review status: criteria provided, multiple submitters, no conflicts (2 of 4 stars). 3 submissions from 3 submitters: Likely benign (3). Last evaluated 2025-05-25.

Conditions:
CACNA1F-related disorder. Also called: CACNA1F-related condition.

Allele frequency attached by ClinVar (database versions not stated): ExAC 0.00008; gnomAD 0.00016 and 0.00017; TOPMed 0.00024; ESP Exome Variant Server 0.00038.
gnomAD v4.1: 24 of 1,201,509 alleles (0.002%); highest among the groups gnomAD compares: African/African-American, 0.039%; no homozygotes.

Submissions (3):

Labcorp Genetics (formerly Invitae), Labcorp
Classification: Likely benign. Last evaluated: 2025-05-25. Review status: criteria provided, single submitter. Criteria: Invitae Variant Classification Sherloc (09022015). Collection method: clinical testing. Allele origin: germline.

PreventionGenetics, part of Exact Sciences
Classification: Likely benign for CACNA1F-related condition. Last evaluated: 2025-03-27. Review status: criteria provided, single submitter. Criteria: ACMG Guidelines, 2015. Collection method: clinical testing. Allele origin: germline.
Comment: This variant is classified as likely benign based on ACMG/AMP sequence variant interpretation guidelines (Richards et al. 2015 PMID: 25741868, with internal and published modifications).

Blueprint Genetics
Classification: Likely benign. Last evaluated: 2022-08-30. Review status: criteria provided, single submitter. Criteria: ACMG Guidelines, 2015. Collection method: clinical testing. Allele origin: germline.